The following is an entry in ClinVar:

NM_004260.4(RECQL4):c.548T>C (p.Leu183Pro)

Gene: RECQL4 (RecQ like helicase 4; minus strand). Cytogenetic location: 8q24.3.
Variant type: single nucleotide variant.
Coding change: c.548T>C on transcript NM_004260.4 (MANE Select); coding-DNA position 548, T replaced by C.
Protein change: p.Leu183Pro; replaces leucine 183 with proline.
Molecular consequence: missense variant.
Genome position (GRCh38, 1-based): chr8:144,516,571, A>G on the plus strand (T>C on the coding strand, the complement: RECQL4 is on the minus strand). VCF-style: chr8-144516571-A-G. GRCh37 (hg19) VCF-style: chr8-145741955-A-G.
Other names: short protein forms L183P.
Identifiers: ClinVar variation 1005826 (VCV001005826.5), dbSNP rs1347831284, ClinGen allele CA372691068.

ClinVar aggregate classification (germline): Uncertain significance (1 of 4 stars; one submission).

Conditions:
Baller-Gerold syndrome (BGS). Also called: CRANIOSYNOSTOSIS WITH RADIAL DEFECTS. Identifiers: Orphanet 1225, MedGen C0265308, MONDO:0009039, OMIM 218600.

Submission:

Labcorp Genetics (formerly Invitae), Labcorp
Classification: Uncertain significance for Baller-Gerold syndrome. Last evaluated: 2020-10-20. Review status: criteria provided, single submitter. Criteria: Invitae Variant Classification Sherloc (09022015). Collection method: clinical testing. Allele origin: germline.
Comment: This sequence change replaces leucine with proline at codon 183 of the RECQL4 protein (p.Leu183Pro). The leucine residue is highly conserved and there is a moderate physicochemical difference between leucine and proline. This variant is not present in population databases (ExAC no frequency). This variant has not been reported in the literature in individuals with RECQL4-related conditions. Experimental studies and prediction algorithms are not available or were not evaluated, and the functional significance of this variant is currently unknown. In summary, the available evidence is currently insufficient to determine the role of this variant in disease. Therefore, it has been classified as a Variant of Uncertain Significance.